The following is an entry in ClinVar:

ClinVar aggregate classification (germline): Uncertain significance. Review status: criteria provided, multiple submitters, no conflicts (2 of 4 stars). 3 submissions from 3 submitters: Uncertain significance (3). Last evaluated 2025-12-17.

Conditions:
Familial melanoma. Also called: Hereditary melanoma; Hereditary cutaneous melanoma. Identifiers: Orphanet 618, MedGen C1512419, MONDO:0018961.
Hereditary cancer-predisposing syndrome. Also called: Tumor predisposition; Neoplastic Syndromes, Hereditary; Hereditary neoplastic syndrome; Hereditary Cancer Syndrome. Identifiers: Orphanet 140162, MedGen C0027672, MeSH D009386, MONDO:0015356.

Allele frequency attached by ClinVar (database versions not stated): gnomAD exomes below 0.00001; TOPMed below 0.00001; gnomAD 0.00001.

Submissions (3):

Ambry Genetics
Classification: Uncertain significance for Hereditary cancer-predisposing syndrome. Last evaluated: 2025-12-17. Review status: criteria provided, single submitter. Criteria: Ambry Variant Classification Scheme 2023. Collection method: clinical testing. Allele origin: germline.
Comment: The p.A100V variant (also known as c.299C>T), located in coding exon 2 of the CDKN2A gene, results from a C to T substitution at nucleotide position 299. The alanine at codon 100 is replaced by valine, an amino acid with similar properties. Of note, this variant is also known as c.342C>T (p.G114G) in the p14(ARF) isoform. In one functional study, this alteration behaved like wildtype in an in vitro binding assay, kinase inhibition assay and cell cycle arrest assay (Parry D et al. Mol Cell Biol, 1996 Jul;16:3844-52). In another functional study, this alteration demonstrated uncertain results in a cell cycle arrest assay (Miller PJ et al. Hum Mutat, 2011 Aug;32:900-11). This amino acid position is well conserved in available vertebrate species. In addition, the in silico prediction for this alteration is inconclusive. Since supporting evidence is limited at this time, the clinical significance of this alteration remains unclear.

Labcorp Genetics (formerly Invitae), Labcorp
Classification: Uncertain significance for Familial melanoma. Last evaluated: 2023-08-25. Review status: criteria provided, single submitter. Criteria: Invitae Variant Classification Sherloc (09022015). Collection method: clinical testing. Allele origin: germline.
Comment: In summary, the available evidence is currently insufficient to determine the role of this variant in disease. Therefore, it has been classified as a Variant of Uncertain Significance. Experimental studies have shown that this missense change does not substantially affect CDKN2A (p16INK4a) function (PMID: 8668202, 21462282). An algorithm developed to predict the effect of missense changes on protein structure and function (PolyPhen-2) suggests that this variant is likely to be disruptive. ClinVar contains an entry for this variant (Variation ID: 924911). This variant has not been reported in the literature in individuals affected with CDKN2A (p16INK4a)-related conditions. This variant is not present in population databases (gnomAD no frequency). This sequence change replaces alanine, which is neutral and non-polar, with valine, which is neutral and non-polar, at codon 100 of the CDKN2A (p16INK4a) protein (p.Ala100Val).

Color Diagnostics, LLC DBA Color Health
Classification: Uncertain significance for Hereditary cancer-predisposing syndrome. Last evaluated: 2019-01-04. Review status: criteria provided, single submitter. Criteria: ACMG Guidelines, 2015. Collection method: clinical testing. Allele origin: germline.

Literature cited by the submitters: PubMed 21462282 (cited by Ambry Genetics and Labcorp Genetics (formerly Invitae), Labcorp); PubMed 8668202 (cited by Ambry Genetics and Labcorp Genetics (formerly Invitae), Labcorp).

NM_000077.5(CDKN2A):c.299C>T (p.Ala100Val)

Gene: CDKN2A (cyclin dependent kinase inhibitor 2A; minus strand). Cytogenetic location: 9p21.3.
Variant type: single nucleotide variant.
Coding change: c.299C>T on transcript NM_000077.5; coding-DNA position 299, C replaced by T.
Protein change: p.Ala100Val; replaces alanine 100 with valine.
Molecular consequence: missense variant (on NM_000077.6). On other transcripts: synonymous variant (1), 3 prime UTR variant (1).
Genome position (GRCh38, 1-based): chr9:21,971,060, G>A on the plus strand (C>T on the coding strand, the complement: CDKN2A is on the minus strand). VCF-style: chr9-21971060-G-A. GRCh37 (hg19) VCF-style: chr9-21971059-G-A.
Other names: c.299C>T, p.Ala100Val (NM_000077.6, NM_001195132.2); c.146C>T, p.Ala49Val (NM_001363763.2); c.342C>T, p.Gly114= (NM_058195.4); c.*222C>T (NM_058197.5); short protein forms A49V, A100V.
Identifiers: ClinVar variation 924911 (VCV000924911.10), dbSNP rs1344319395, ClinGen allele CA373086110.